The following is an entry in ClinVar:

NM_000443.4(ABCB4):c.3559C>T (p.Arg1187Ter)

Gene: ABCB4 (ATP binding cassette subfamily B member 4; minus strand). Cytogenetic location: 7q21.12.
Variant type: single nucleotide variant.
Coding change: c.3559C>T on transcript NM_000443.4 (MANE Select); coding-DNA position 3559, C replaced by T.
Protein change: p.Arg1187Ter; replaces arginine 1187 with a stop codon.
Molecular consequence: nonsense.
Genome position (GRCh38, 1-based): chr7:87,403,209, G>A on the plus strand (C>T on the coding strand, the complement: ABCB4 is on the minus strand). VCF-style: chr7-87403209-G-A. GRCh37 (hg19) VCF-style: chr7-87032525-G-A.
Other names: c.3580C>T, p.Arg1194Ter (NM_018849.3); c.3418C>T, p.Arg1140Ter (NM_018850.3); short protein forms R1140*, R1187*, R1194*.
Identifiers: ClinVar variation 4846596 (VCV004846596.2).

ClinVar aggregate classification (germline): Pathogenic/Likely pathogenic. Review status: criteria provided, multiple submitters, no conflicts (2 of 4 stars). 2 submissions from 2 submitters: Pathogenic (1); Likely pathogenic (1). Last evaluated 2026-08-06.

Conditions:
Cholestasis, intrahepatic, of pregnancy, 3. Identifiers: Orphanet 69665, MedGen C3554241, MONDO:0013995, OMIM 614972.
Familial intrahepatic cholestasis. Identifiers: Orphanet 284385, MedGen CN296401, MONDO:0017290.
Low phospholipid associated cholelithiasis (GBD1). Also called: Gallstone cholecystitis; Gallbladder disease 1. Identifiers: Orphanet 69663, MedGen C2609268, MONDO:0010939, OMIM 600803.

gnomAD v4.1: 2 of 1,613,686 alleles (0.00012%); highest among the groups gnomAD compares: Non-Finnish European, 0.00017%; no homozygotes.

Submissions (2):

OLLIN Analises Genomicas, OLLIN
Classification: Likely pathogenic for Cholestasis, intrahepatic, of pregnancy, 3. Last evaluated: 2026-08-06. Review status: criteria provided, single submitter. Criteria: ACMG Guidelines 2015 PMID 25741868. Collection method: clinical testing. Allele origin: germline. Inheritance: Autosomal dominant inheritance.
Comment: This nonsense variant, located in exon 27 (of 28), has been reported in ClinVar (accession VCV002840068.3) and in gnomAD with an allele frequency of 0.00012%. However, to our knowledge, it has not been reported in the scientific literature. This variant introduces a premature stop codon, which is predicted to result in either a truncated protein or degradation of the mRNA via nonsense-mediated decay (NMD). According to the currently available evidence, this variant has been classified as likely pathogenic (PVS1, PM2_P).

Genomenon, Inc
Classification: Pathogenic for Familial intrahepatic cholestasis; Low phospholipid associated cholelithiasis. Last evaluated: 2026-04-14. Review status: criteria provided, single submitter. Criteria: Genomenon Sequence Variant Interpretation Standards - Updated. Collection method: curation. Allele origin: germline. Affected: yes.
Comment: ABCB4 p.Arg1187Ter (c.3559C>T) is a nonsense variant that introduces a premature stop codon at amino acid position 1187, creating a truncated protein that is predicted to undergo nonsense-mediated mRNA decay. This variant has been observed in at least one proband with an ABCB4-related disorder (PMID:23533021;24594635). It is absent or not present at a significant frequency in gnomAD. In conclusion, we classify ABCB4 p.Arg1187Ter (c.3559C>T) as a pathogenic variant.

Literature cited by the submitters: PubMed 23533021 (cited by Genomenon, Inc); PubMed 24594635 (cited by Genomenon, Inc).